The following is an entry in ClinVar:

ClinVar aggregate classification (germline): Uncertain significance (1 of 4 stars; one submission).

Submission:

CeGaT Center for Human Genetics Tuebingen
Classification: Uncertain significance. Last evaluated: 2026-04-01. Review status: criteria provided, single submitter. Criteria: CeGaT Center For Human Genetics Tuebingen Variant Classification Criteria Version 2. Collection method: clinical testing. Allele origin: germline. Affected: yes. Observed: 1 variant allele.
Comment: CHD3: PM2, PP2

NM_001005273.3(CHD3):c.473C>T (p.Thr158Met)

Gene: CHD3 (chromodomain helicase DNA binding protein 3; plus strand). Cytogenetic location: 17p13.1.
Variant type: single nucleotide variant.
Coding change: c.473C>T on transcript NM_001005273.3 (MANE Select); coding-DNA position 473, C replaced by T.
Protein change: p.Thr158Met; replaces threonine 158 with methionine.
Molecular consequence: missense variant.
Genome position (GRCh38, 1-based): chr17:7,891,028, C>T. VCF-style: chr17-7891028-C-T. GRCh37 (hg19) VCF-style: chr17-7794346-C-T.
Other names: c.650C>T, p.Thr217Met (NM_001005271.3, NM_001437504.1, NM_001437507.1 and 2 more transcripts); c.473C>T, p.Thr158Met (NM_005852.4); short protein forms T158M, T217M.
Identifiers: ClinVar variation 4874670 (VCV004874670.2).